The following is an entry in ClinVar:

NM_201525.4(ADGRG1):c.59del (p.Val20fs)

Gene: ADGRG1 (adhesion G protein-coupled receptor G1; plus strand). Cytogenetic location: 16q21.
Variant type: Deletion.
Coding change: c.59del on transcript NM_201525.4 (MANE Select); coding-DNA position 59, one base deleted (T; older notation c.59delT).
Protein change: p.Val20fs; shifts the reading frame from valine 20.
Molecular consequence: frameshift variant. On other transcripts: 5 prime UTR variant (4), intron variant (1).
Genome position (GRCh38, 1-based): chr16:57,650,346, T deleted. VCF-style (leftmost placement, unchanged base first): chr16-57650345-GT-G. GRCh37 (hg19) VCF-style: chr16-57684257-GT-G.
Other names: c.59del (NM_005682.6); c.59del, p.Val20fs (NM_001145770.3, NM_001145771.3, NM_001145772.3 and 20 more transcripts); c.-424del (NM_001290143.2, NM_001290144.2, NM_001370451.1); c.-508del (NM_001370453.1); c.-414-901del (NM_001370454.1); short protein forms V20fs.
Identifiers: ClinVar variation 639515 (VCV000639515.8), dbSNP rs1597442680, ClinGen allele CA915949282.
Genomic context (GRCh38, chr16:57,650,345, plus strand): 5'-AAAATGACTCCCCAGTCGCTGCTGCAGACGACACTGTTCCTGCTGAGTCTGCTCTTCCTG[GT>G]CCAAGGCAGGTCTTCCCAGGGGTGCCCTGGGCTGTTGGAACTTACGTTAAAATGCCCCTG-3'

ClinVar aggregate classification (germline): Pathogenic (1 of 4 stars; one submission).

Submission:

Labcorp Genetics (formerly Invitae), Labcorp
Classification: Pathogenic. Last evaluated: 2019-08-28. Review status: criteria provided, single submitter. Criteria: Invitae Variant Classification Sherloc (09022015). Collection method: clinical testing. Allele origin: germline.
Comment: For these reasons, this variant has been classified as Pathogenic. Loss-of-function variants in ADGRG1 are known to be pathogenic (PMID: 15044805, 20929962). This variant has not been reported in the literature in individuals with ADGRG1-related disease. This variant is not present in population databases (ExAC no frequency). This sequence change creates a premature translational stop signal (p.Val20Alafs*93) in the ADGRG1 gene. It is expected to result in an absent or disrupted protein product.

Literature cited by the submitters: PubMed 15044805; PubMed 20929962.